The following is an entry in ClinVar:

NM_172364.5(CACNA2D4):c.426+6C>T

Gene: CACNA2D4 (calcium voltage-gated channel auxiliary subunit alpha2delta 4; minus strand). Cytogenetic location: 12p13.33.
Variant type: single nucleotide variant.
Coding change: c.426+6C>T on transcript NM_172364.5 (MANE Select); 6 bases into the intron after coding-DNA position 426, C replaced by T.
Molecular consequence: intron variant.
Genome position (GRCh38, 1-based): chr12:1,913,017, G>A on the plus strand (C>T on the coding strand, the complement: CACNA2D4 is on the minus strand). VCF-style: chr12-1913017-G-A. GRCh37 (hg19) VCF-style: chr12-2022183-G-A.
Identifiers: ClinVar variation 1007816 (VCV001007816.10), dbSNP rs1866870857, ClinGen allele CA2012199064.

ClinVar aggregate classification (germline): Uncertain significance (1 of 4 stars; one submission).

Submission:

Labcorp Genetics (formerly Invitae), Labcorp
Classification: Uncertain significance. Last evaluated: 2024-11-07. Review status: criteria provided, single submitter. Criteria: Invitae Variant Classification Sherloc (09022015). Collection method: clinical testing. Allele origin: germline.
Comment: This sequence change falls in intron 3 of the CACNA2D4 gene. It does not directly change the encoded amino acid sequence of the CACNA2D4 protein. It affects a nucleotide within the consensus splice site. This variant is not present in population databases (gnomAD no frequency). This variant has not been reported in the literature in individuals affected with CACNA2D4-related conditions. ClinVar contains an entry for this variant (Variation ID: 1007816). Variants that disrupt the consensus splice site are a relatively common cause of aberrant splicing (PMID: 17576681, 9536098). Algorithms developed to predict the effect of sequence changes on RNA splicing suggest that this variant is not likely to affect RNA splicing. In summary, the available evidence is currently insufficient to determine the role of this variant in disease. Therefore, it has been classified as a Variant of Uncertain Significance.

Literature cited by the submitters: PubMed 17576681; PubMed 9536098.